The following is an entry in ClinVar:

NM_030780.5(SLC25A32):c.859A>T (p.Ile287Phe)

Gene: SLC25A32 (solute carrier family 25 member 32; minus strand). Cytogenetic location: 8q22.3.
Variant type: single nucleotide variant.
Coding change: c.859A>T on transcript NM_030780.5 (MANE Select); coding-DNA position 859, A replaced by T.
Protein change: p.Ile287Phe; replaces isoleucine 287 with phenylalanine.
Molecular consequence: missense variant. On other transcripts: non-coding transcript variant (2).
Genome position (GRCh38, 1-based): chr8:103,400,500, T>A on the plus strand (A>T on the coding strand, the complement: SLC25A32 is on the minus strand). VCF-style: chr8-103400500-T-A. GRCh37 (hg19) VCF-style: chr8-104412728-T-A.
Other names: short protein forms I287F.
Identifiers: ClinVar variation 1959548 (VCV001959548.6), dbSNP rs142086790, ClinGen allele CA4835339.

ClinVar aggregate classification (germline): Uncertain significance. Review status: criteria provided, multiple submitters, no conflicts (2 of 4 stars). 2 submissions from 2 submitters: Uncertain significance (2). Last evaluated 2022-08-21.

Submissions (2):

Labcorp Genetics (formerly Invitae), Labcorp
Classification: Uncertain significance. Last evaluated: 2022-08-21. Review status: criteria provided, single submitter. Criteria: Invitae Variant Classification Sherloc (09022015). Collection method: clinical testing. Allele origin: germline.
Comment: In summary, the available evidence is currently insufficient to determine the role of this variant in disease. Therefore, it has been classified as a Variant of Uncertain Significance. Algorithms developed to predict the effect of missense changes on protein structure and function are either unavailable or do not agree on the potential impact of this missense change (SIFT: "Deleterious"; PolyPhen-2: "Possibly Damaging"; Align-GVGD: "Class C0"). This variant has not been reported in the literature in individuals affected with SLC25A32-related conditions. This variant is present in population databases (rs142086790, gnomAD 0.002%). This sequence change replaces isoleucine, which is neutral and non-polar, with phenylalanine, which is neutral and non-polar, at codon 287 of the SLC25A32 protein (p.Ile287Phe).

Ambry Genetics
Classification: Uncertain significance. Last evaluated: 2021-12-16. Review status: criteria provided, single submitter. Criteria: Ambry Variant Classification Scheme 2023. Collection method: clinical testing. Allele origin: germline.